The following is an entry in ClinVar:

NM_005050.4(ABCD4):c.425+7G>A

Gene: ABCD4 (ATP binding cassette subfamily D member 4; minus strand). Cytogenetic location: 14q24.3.
Variant type: single nucleotide variant.
Coding change: c.425+7G>A on transcript NM_005050.4 (MANE Select); 7 bases into the intron after coding-DNA position 425, G replaced by A.
Molecular consequence: intron variant.
Genome position (GRCh38, 1-based): chr14:74,297,923, C>T on the plus strand (G>A on the coding strand, the complement: ABCD4 is on the minus strand). VCF-style: chr14-74297923-C-T. GRCh37 (hg19) VCF-style: chr14-74764626-C-T.
Other names: c.-270+7G>A (NM_001353607.2, NM_001353603.2, NM_001353606.2 and 3 more transcripts); c.-53+7G>A (NM_001353598.2, NM_001353600.2); c.164+7G>A (NM_001353594.2, NM_001353593.2); c.-269-1474G>A (NM_001353604.2); c.-52-1474G>A (NM_001353601.2, NM_020324.3, NM_001353599.2); c.16+7G>A (NM_001353597.2, NM_001353596.2, NM_001353595.2); c.-264-1474G>A (NM_001353608.2); c.425+7G>A (NM_001353591.2, NM_001353592.2, NM_020325.3); and 1 more.
Identifiers: ClinVar variation 387980 (VCV000387980.9), dbSNP rs375608814, ClinGen allele CA7267225.

ClinVar aggregate classification (germline): Likely benign. Review status: criteria provided, multiple submitters, no conflicts (2 of 4 stars). 2 submissions from 2 submitters: Likely benign (2). Last evaluated 2024-11-19.

Conditions:
Methylmalonic acidemia with homocystinuria, type cblJ (MAHCJ). Also called: METHYLMALONIC ACIDURIA AND HOMOCYSTINURIA, cblJ TYPE. Identifiers: Orphanet 369955, MedGen C3553915, MONDO:0013925, OMIM 614857.

Allele frequency attached by ClinVar (database versions not stated): ExAC 0.00003; gnomAD 0.00003; TOPMed 0.00007; ESP Exome Variant Server 0.00008.
gnomAD v4.1: 20 of 1,609,718 alleles (0.0012%); highest among the groups gnomAD compares: African/African-American, 0.008%; no homozygotes.

Submissions (2):

Labcorp Genetics (formerly Invitae), Labcorp
Classification: Likely benign for Methylmalonic acidemia with homocystinuria, type cblJ. Last evaluated: 2024-11-19. Review status: criteria provided, single submitter. Criteria: Invitae Variant Classification Sherloc (09022015). Collection method: clinical testing. Allele origin: germline.

GeneDx
Classification: Likely benign. Last evaluated: 2016-08-02. Review status: criteria provided, single submitter. Criteria: GeneDx Variant Classification (06012015). Collection method: clinical testing. Allele origin: germline. Affected: yes.
Comment: This variant is considered likely benign or benign based on one or more of the following criteria: it is a conservative change, it occurs at a poorly conserved position in the protein, it is predicted to be benign by multiple in silico algorithms, and/or has population frequency not consistent with disease.